The following is an entry in ClinVar:

NM_001330574.2(ZNF711):c.127G>A (p.Val43Ile)

Gene: ZNF711 (zinc finger protein 711; plus strand). Cytogenetic location: Xq21.1.
Variant type: single nucleotide variant.
Coding change: c.127G>A on transcript NM_001330574.2 (MANE Select); coding-DNA position 127, G replaced by A.
Protein change: p.Val43Ile; replaces valine 43 with isoleucine.
Molecular consequence: missense variant.
Genome position (GRCh38, 1-based): chrX:85,255,306, G>A. VCF-style: chrX-85255306-G-A. GRCh37 (hg19) VCF-style: chrX-84510312-G-A.
Other names: c.127G>A, p.Val43Ile (NM_001375431.1, NM_001375432.1, NM_001375433.1 and 5 more transcripts); short protein forms V43I.
Identifiers: ClinVar variation 4532708 (VCV004532708.1).

ClinVar aggregate classification (germline): Uncertain significance (1 of 4 stars; one submission).

Submission:

GeneDx
Classification: Uncertain significance. Last evaluated: 2025-05-29. Review status: criteria provided, single submitter. Criteria: GeneDx Variant Classification Process June 2021. Collection method: clinical testing. Allele origin: germline. Affected: yes.
Comment: Not observed at significant frequency in large population cohorts (gnomAD); In silico analysis suggests that this missense variant does not alter protein structure/function; Has not been previously published as pathogenic or benign to our knowledge